The following is an entry in ClinVar:

ClinVar aggregate classification (germline): Conflicting classifications of pathogenicity. Review status: criteria provided, conflicting classifications (1 of 4 stars). 2 submissions from 2 submitters: Likely pathogenic (1); Uncertain significance (1). Last evaluated 2022-08-04.

Conditions:
Charcot-Marie-Tooth disease axonal type 2O. Also called: CHARCOT-MARIE-TOOTH NEUROPATHY, AXONAL, TYPE 2O; CHARCOT-MARIE-TOOTH DISEASE, AXONAL, AUTOSOMAL DOMINANT, TYPE 2O; Charcot-Marie-Tooth Neuropathy Type 2O; Charcot-Marie-Tooth disease, axonal, type 20. Identifiers: Orphanet 284232, MedGen C3280220, MONDO:0013644, OMIM 614228.
Cortical dysplasia, complex, with other brain malformations 13. Also called: Intellectual disability, autosomal dominant 13. Identifiers: MedGen C3281202, MONDO:0013805, OMIM 614563.

Submissions (2):

HudsonAlpha Institute for Biotechnology
Classification: Likely pathogenic for Cortical dysplasia, complex, with other brain malformations 13. Last evaluated: 2022-08-04. Review status: criteria provided, single submitter. Criteria: ACMG Guidelines, 2015. Collection method: research. Allele origin: de novo, paternal. Affected: yes. Observed: 2 variant alleles. Study: HudsonAlpha-AGHI-WGS.
Comment: ACMG codes:PS2_Strong, PM2_Moderate, PP2_Supporting, PP3_Supporting

Labcorp Genetics (formerly Invitae), Labcorp
Classification: Uncertain significance for Charcot-Marie-Tooth disease axonal type 2O. Last evaluated: 2022-03-10. Review status: criteria provided, single submitter. Criteria: Invitae Variant Classification Sherloc (09022015). Collection method: clinical testing. Allele origin: germline.
Comment: This sequence change replaces aspartic acid, which is acidic and polar, with glycine, which is neutral and non-polar, at codon 1958 of the DYNC1H1 protein (p.Asp1958Gly). In summary, the available evidence is currently insufficient to determine the role of this variant in disease. Therefore, it has been classified as a Variant of Uncertain Significance. Advanced modeling of protein sequence and biophysical properties (such as structural, functional, and spatial information, amino acid conservation, physicochemical variation, residue mobility, and thermodynamic stability) performed at Invitae indicates that this missense variant is expected to disrupt DYNC1H1 protein function. This variant has not been reported in the literature in individuals affected with DYNC1H1-related conditions. This variant is not present in population databases (gnomAD no frequency).

NM_001376.5(DYNC1H1):c.5873A>G (p.Asp1958Gly)

Gene: DYNC1H1 (dynein cytoplasmic 1 heavy chain 1; plus strand). Cytogenetic location: 14q32.31.
Variant type: single nucleotide variant.
Coding change: c.5873A>G on transcript NM_001376.5 (MANE Select); coding-DNA position 5873, A replaced by G.
Protein change: p.Asp1958Gly; replaces aspartic acid 1958 with glycine.
Molecular consequence: missense variant.
Genome position (GRCh38, 1-based): chr14:102,008,233, A>G. VCF-style: chr14-102008233-A-G. GRCh37 (hg19) VCF-style: chr14-102474570-A-G.
Other names: short protein forms D1958G.
Identifiers: ClinVar variation 1803746 (VCV001803746.6), dbSNP rs2503746851, ClinGen allele CA391051290.
Genomic context (GRCh38, chr14:102,008,233, plus strand): 5'-TCCAGGCAATGGGCCGGATCTTTGTGGGCCTTTGCCAGGTGGGTGCCTGGGGCTGCTTTG[A>G]CGAGTTCAACCGCCTGGAGGAGCGGATGCTCTCGGCTGTGTCCCAGCAGGTGCAGTGCAT-3'
Protein context (NP_001367.2, residues 1948-1968): LCQVGAWGCF[Asp1958Gly]EFNRLEERML